The following is an entry in ClinVar:

NM_007315.4(STAT1):c.1239_1240insT (p.Asn414Ter)

Gene: STAT1 (signal transducer and activator of transcription 1; minus strand). Cytogenetic location: 2q32.2.
Variant type: Insertion.
Coding change: c.1239_1240insT on transcript NM_007315.4 (MANE Select); coding-DNA positions 1239 to 1240, T inserted.
Protein change: p.Asn414Ter; replaces asparagine 414 with a stop codon.
Molecular consequence: nonsense.
Genome position: GRCh38 VCF-style: chr2-190985642-T-TA. GRCh37 (hg19) VCF-style: chr2-191850368-T-TA.
Other names: c.1179_1180insT, p.Asn394Ter (NM_001384880.1); c.1245_1246insT, p.Asn416Ter (NM_001384881.1, NM_001384884.1); c.1233_1234insT, p.Asn412Ter (NM_001384882.1); c.1140_1141insT, p.Asn381Ter (NM_001384883.1); c.1080_1081insT, p.Asn361Ter (NM_001384885.1); c.1239_1240insT, p.Asn414Ter (NM_001384886.1, NM_001384889.1, NM_001437284.1 and 1 more transcripts); c.1146_1147insT, p.Asn383Ter (NM_001384887.1); c.1209_1210insT, p.Asn404Ter (NM_001384888.1); and 2 more; short protein forms N394*, N381*, N414*, N361*, N412*, N416*, N426*, N383*.
Identifiers: ClinVar variation 4785010 (VCV004785010.1).

ClinVar aggregate classification (germline): Pathogenic (1 of 4 stars; one submission).

Conditions:
Mendelian susceptibility to mycobacterial diseases due to partial STAT1 deficiency. Also called: IMMUNODEFICIENCY 31A, MYCOBACTERIOSIS, AUTOSOMAL DOMINANT; STAT1 DEFICIENCY, AUTOSOMAL DOMINANT; Immunodeficiency 31a. Identifiers: Orphanet 319595, MedGen C4013950, MONDO:0013956, OMIM 614892.
Autoimmune enteropathy and endocrinopathy - susceptibility to chronic infections syndrome. Also called: Immunodeficiency 31C, autosomal dominant; Immunodeficiency 31C. Identifiers: Orphanet 391487, MedGen C3279990, MONDO:0013599, OMIM 614162.
Immunodeficiency 31B. Also called: IMMUNODEFICIENCY 31B, MYCOBACTERIAL AND VIRAL INFECTIONS, AUTOSOMAL RECESSIVE; STAT1 DEFICIENCY, AUTOSOMAL RECESSIVE. Identifiers: Orphanet 391311, MedGen C3151088, MONDO:0013427, OMIM 613796.

Submission:

Labcorp Genetics (formerly Invitae), Labcorp
Classification: Pathogenic for Mendelian susceptibility to mycobacterial diseases due to partial STAT1 deficiency; Immunodeficiency 31B; Autoimmune enteropathy and endocrinopathy - susceptibility to chronic infections syndrome. Last evaluated: 2025-05-14. Review status: criteria provided, single submitter. Criteria: Invitae Variant Classification Sherloc (09022015). Collection method: clinical testing. Allele origin: germline.
Comment: This sequence change creates a premature translational stop signal (p.Asn414*) in the STAT1 gene. It is expected to result in an absent or disrupted protein product. Loss-of-function variants in STAT1 are known to be pathogenic (PMID: 22651901). This variant is not present in population databases (gnomAD no frequency). This variant has not been reported in the literature in individuals affected with STAT1-related conditions. For these reasons, this variant has been classified as Pathogenic.

Literature cited by the submitters: PubMed 22651901.